The following is an entry in ClinVar:

ClinVar aggregate classification (germline): Pathogenic. Review status: criteria provided, single submitter (1 of 4 stars). 2 submissions from 2 submitters: Pathogenic (1). 1 of the submissions does not count toward it. Last evaluated 2022-09-12.

Conditions:
Osteogenesis imperfecta, perinatal lethal (OI2). Also called: Osteogenesis imperfecta type 2; Osteogenesis imperfecta, dominant perinatal lethal; VROLIK TYPE OF OSTEOGENESIS IMPERFECTA; OI, TYPE II; OSTEOGENESIS IMPERFECTA CONGENITA; OSTEOGENESIS IMPERFECTA, TYPE II. Identifiers: Orphanet 216804, MedGen C0268358, MONDO:0008147, OMIM 166210.

Submissions (2):

GeneDx
Classification: Pathogenic. Last evaluated: 2022-09-12. Review status: criteria provided, single submitter. Criteria: GeneDx Variant Classification Process June 2021. Collection method: clinical testing. Allele origin: germline. Affected: yes.
Comment: Affects a glycine residue in a Gly-X-Y motif in the triple helical region of the COL1A2 gene, where the majority of pathogenic missense variants occur; Not observed in large population cohorts (gnomAD); In silico analysis supports that this missense variant has a deleterious effect on protein structure/function; Has not been previously published as pathogenic or benign to our knowledge; This variant is associated with the following publications: (PMID: 2914942)

OMIM
Classification: Pathogenic for OSTEOGENESIS IMPERFECTA, TYPE II. Last evaluated: 1989-02-15. Review status: no assertion criteria provided. Collection method: literature only. Allele origin: germline. Not counted in ClinVar's aggregate classification.

Literature cited by the submitters: PubMed 2914942 (cited by OMIM).

NM_000089.4(COL1A2):c.2720G>A (p.Gly907Asp)

Gene: COL1A2 (collagen type I alpha 2 chain; plus strand). Cytogenetic location: 7q21.3.
Variant type: single nucleotide variant.
Coding change: c.2720G>A on transcript NM_000089.4 (MANE Select); coding-DNA position 2720, G replaced by A.
Protein change: p.Gly907Asp; replaces glycine 907 with aspartic acid.
Molecular consequence: missense variant.
Genome position (GRCh38, 1-based): chr7:94,425,163, G>A. VCF-style: chr7-94425163-G-A. GRCh37 (hg19) VCF-style: chr7-94054475-G-A.
Other names: short protein forms G907D.
Identifiers: ClinVar variation 17239 (VCV000017239.3), dbSNP rs121912900, ClinGen allele CA257750.